The following is an entry in ClinVar:

NM_001369.3(DNAH5):c.10546del (p.Arg3516fs)

Gene: DNAH5 (dynein axonemal heavy chain 5; minus strand). Cytogenetic location: 5p15.2.
Variant type: Deletion.
Coding change: c.10546del on transcript NM_001369.3 (MANE Select); coding-DNA position 10546, one base deleted (A; older notation c.10546delA).
Protein change: p.Arg3516fs; shifts the reading frame from arginine 3516.
Molecular consequence: frameshift variant.
Genome position (GRCh38, 1-based): chr5:13,754,212, T deleted on the plus strand (A on the coding strand, the reverse complement: DNAH5 is on the minus strand); the first of 4 consecutive T bases (chr5:13,754,212-13,754,215); deleting any one gives the same sequence. VCF-style (leftmost placement, unchanged base first): chr5-13754211-CT-C. GRCh37 (hg19) VCF-style: chr5-13754320-CT-C.
Other names: short protein forms R3516fs.
Identifiers: ClinVar variation 5013454 (VCV005013454.1).
Genomic context (GRCh38, chr5:13,754,211, plus strand): 5'-AATTCCCTATCACAGTCAACACACAATCTCATTAATAAAGAAATTTACATACCTACAAGT[CT>C]TTTAGTTTGTGCAGCAAACTCTTGGCTTTGCTCTGTCCATCTTTCTTTTTCACCTGCCAA-3'

ClinVar aggregate classification (germline): Pathogenic (1 of 4 stars; one submission).

Conditions:
Primary ciliary dyskinesia 3. Identifiers: Orphanet 244, MedGen C1837618, MONDO:0012085, OMIM 608644.

Submission:

Myriad Genetics, Inc.
Classification: Pathogenic for Primary ciliary dyskinesia 3. Last evaluated: 2024-08-15. Review status: criteria provided, single submitter. Criteria: Myriad Autosomal Dominant, Autosomal Recessive and X-Linked Classification Criteria (2023). Collection method: clinical testing. Allele origin: unknown.
Comment: NM_001369.2(DNAH5):c.10546delA(R3516Dfs*3) is expected to be pathogenic in the context of primary ciliary dyskinesia, DNAH5-related. This variant is predicted to lead to an abnormal or absent protein product due to the creation of a premature termination codon in DNAH5, a gene where loss-of-function variants are known to be pathogenic. Please note: this variant was assessed in the context of healthy population screening.